The following is an entry in ClinVar:

ClinVar aggregate classification (germline): Likely pathogenic (1 of 4 stars; one submission).

Conditions:
Walker-Warburg congenital muscular dystrophy. Also called: Muscular dystrophy-dystroglycanopathy, type A; Walker-Warburg syndrome. Identifiers: Orphanet 899, MedGen C0265221, MONDO:0000171.

Submission:

Labcorp Genetics (formerly Invitae), Labcorp
Classification: Likely pathogenic for Walker-Warburg congenital muscular dystrophy. Last evaluated: 2023-05-31. Review status: criteria provided, single submitter. Criteria: Invitae Variant Classification Sherloc (09022015). Collection method: clinical testing. Allele origin: germline.
Comment: In summary, the currently available evidence indicates that the variant is pathogenic, but additional data are needed to prove that conclusively. Therefore, this variant has been classified as Likely Pathogenic. Algorithms developed to predict the effect of sequence changes on RNA splicing suggest that this variant may disrupt the consensus splice site. This variant has not been reported in the literature in individuals affected with FKTN-related conditions. This variant is not present in population databases (gnomAD no frequency). This sequence change affects a donor splice site in intron 4 of the FKTN gene. It is expected to disrupt RNA splicing. Variants that disrupt the donor or acceptor splice site typically lead to a loss of protein function (PMID: 16199547), and loss-of-function variants in FKTN are known to be pathogenic (PMID: 17044012, 17878207, 18752264).

Literature cited by the submitters: PubMed 16199547; PubMed 17044012; PubMed 17878207; PubMed 18752264.

NM_001079802.2(FKTN):c.165+1G>T

Gene: FKTN (fukutin; plus strand). Cytogenetic location: 9q31.2.
Variant type: single nucleotide variant.
Coding change: c.165+1G>T on transcript NM_001079802.2 (MANE Select); the canonical splice donor site of the intron after coding-DNA position 165, G replaced by T.
Molecular consequence: splice donor variant.
Genome position (GRCh38, 1-based): chr9:105,596,658, G>T. VCF-style: chr9-105596658-G-T. GRCh37 (hg19) VCF-style: chr9-108358939-G-T.
Other names: c.165+1G>T (NM_006731.2, NM_001351496.2, NM_001198963.2 and 1 more transcripts); c.-350+1G>T (NM_001351502.2, NM_001351499.2, NM_001351500.2 and 1 more transcripts); c.-3+1G>T (NM_001351497.2).
Identifiers: ClinVar variation 2867240 (VCV002867240.3), dbSNP rs774922597, ClinGen allele CA374331151.